The following is an entry in ClinVar:

ClinVar aggregate classification (germline): Uncertain significance (1 of 4 stars; one submission).

Conditions:
Vitamin B2 deficiency. Identifiers: MedGen C0035528.

Submission:

Labcorp Genetics (formerly Invitae), Labcorp
Classification: Uncertain significance for Vitamin B2 deficiency. Last evaluated: 2022-02-06. Review status: criteria provided, single submitter. Criteria: Invitae Variant Classification Sherloc (09022015). Collection method: clinical testing. Allele origin: germline.
Comment: This sequence change replaces valine, which is neutral and non-polar, with leucine, which is neutral and non-polar, at codon 318 of the SLC52A1 protein (p.Val318Leu). This variant is not present in population databases (gnomAD no frequency). This variant has not been reported in the literature in individuals affected with SLC52A1-related conditions. In summary, the available evidence is currently insufficient to determine the role of this variant in disease. Therefore, it has been classified as a Variant of Uncertain Significance. Algorithms developed to predict the effect of missense changes on protein structure and function are either unavailable or do not agree on the potential impact of this missense change (SIFT: "Tolerated"; PolyPhen-2: "Probably Damaging"; Align-GVGD: "Class C0").

NM_017986.4(SLC52A1):c.952G>C (p.Val318Leu)

Gene: SLC52A1 (solute carrier family 52 member 1; minus strand). Cytogenetic location: 17p13.2.
Variant type: single nucleotide variant.
Coding change: c.952G>C on transcript NM_017986.4 (MANE Select); coding-DNA position 952, G replaced by C.
Protein change: p.Val318Leu; replaces valine 318 with leucine.
Molecular consequence: missense variant.
Genome position (GRCh38, 1-based): chr17:5,033,537, C>G on the plus strand (G>C on the coding strand, the complement: SLC52A1 is on the minus strand). VCF-style: chr17-5033537-C-G. GRCh37 (hg19) VCF-style: chr17-4936832-C-G.
Other names: c.952G>C, p.Val318Leu (NM_001104577.2); short protein forms V318L.
Identifiers: ClinVar variation 2093815 (VCV002093815.4), dbSNP rs2143428483, ClinGen allele CA397327328.